The following is an entry in ClinVar:

ClinVar aggregate classification (germline): Uncertain significance (1 of 4 stars; one submission).

Conditions:
Baller-Gerold syndrome (BGS). Also called: CRANIOSYNOSTOSIS WITH RADIAL DEFECTS. Identifiers: Orphanet 1225, MedGen C0265308, MONDO:0009039, OMIM 218600.

Submission:

Labcorp Genetics (formerly Invitae), Labcorp
Classification: Uncertain significance for Baller-Gerold syndrome. Last evaluated: 2019-03-12. Review status: criteria provided, single submitter. Criteria: Invitae Variant Classification Sherloc (09022015). Collection method: clinical testing. Allele origin: germline.
Comment: This sequence change replaces serine with isoleucine at codon 326 of the RECQL4 protein (p.Ser326Ile). The serine residue is weakly conserved and there is a large physicochemical difference between serine and isoleucine. This variant is not present in population databases (ExAC no frequency). This variant has not been reported in the literature in individuals with RECQL4-related conditions. Algorithms developed to predict the effect of missense changes on protein structure and function are either unavailable or do not agree on the potential impact of this missense change (SIFT: "Tolerated"; PolyPhen-2: "Not Available"; Align-GVGD: "Class C0"). In summary, the available evidence is currently insufficient to determine the role of this variant in disease. Therefore, it has been classified as a Variant of Uncertain Significance.

NM_004260.4(RECQL4):c.977G>T (p.Ser326Ile)

Gene: RECQL4 (RecQ like helicase 4; minus strand). Cytogenetic location: 8q24.3.
Variant type: single nucleotide variant.
Coding change: c.977G>T on transcript NM_004260.4 (MANE Select); coding-DNA position 977, G replaced by T.
Protein change: p.Ser326Ile; replaces serine 326 with isoleucine.
Molecular consequence: missense variant.
Genome position (GRCh38, 1-based): chr8:144,516,142, C>A on the plus strand (G>T on the coding strand, the complement: RECQL4 is on the minus strand). VCF-style: chr8-144516142-C-A. GRCh37 (hg19) VCF-style: chr8-145741526-C-A.
Other names: short protein forms S326I.
Identifiers: ClinVar variation 857043 (VCV000857043.5), dbSNP rs1586822184, ClinGen allele CA372688460.